The following is an entry in ClinVar:

NC_000009.12:g.(?_132944543)_(132945143_?)del

Gene: TSC1 (TSC complex subunit 1; minus strand). Cytogenetic location: 9q34.13.
Variant type: Deletion.
Identifiers: ClinVar variation 832227 (VCV000832227.8).

ClinVar aggregate classification (germline): Pathogenic (1 of 4 stars; one submission).

Conditions:
Tuberous sclerosis 1 (TSC1). Identifiers: Orphanet 805, MedGen C1854465, MONDO:0008612, OMIM 191100.

Submission:

Labcorp Genetics (formerly Invitae), Labcorp
Classification: Pathogenic for Tuberous sclerosis 1. Last evaluated: 2023-07-19. Review status: criteria provided, single submitter. Criteria: Invitae Variant Classification Sherloc (09022015). Collection method: clinical testing. Allele origin: germline.
Comment: For these reasons, this variant has been classified as Pathogenic. Studies have shown that disruption of the promoter region alters TSC1 gene expression (PMID: 14597398). A similar copy number variant has been observed in individuals with clinical features of tuberous sclerosis complex (PMID: 17287951, 20877415, 27406250; Invitae). It has also been observed to segregate with disease in related individuals. This variant is a gross deletion that occurs in a non-coding region of the TSC1 gene. It does not change the encoded amino acid sequence of the TSC1 protein.

Literature cited by the submitters: PubMed 14597398; PubMed 17287951; PubMed 20877415; PubMed 27406250.